The following is an entry in ClinVar:

ClinVar aggregate classification (germline): Pathogenic/Likely pathogenic. Review status: criteria provided, multiple submitters, no conflicts (2 of 4 stars). 8 submissions from 8 submitters: Pathogenic (2); Likely pathogenic (5). 1 of the submissions does not count toward it. Last evaluated 2026-01-05.

Conditions:
Alport syndrome. Also called: Hemorrhagic familial nephritis; Hemorrhagic hereditary nephritis; Congenital hereditary hematuria. Identifiers: Orphanet 63, MedGen C1567741, MONDO:0018965.
X-linked Alport syndrome (ATS1). Also called: COL4A5-Related Nephropathy; NEPHROPATHY AND DEAFNESS, X-LINKED. Identifiers: Orphanet 63, Orphanet 88917, MedGen C4746986, MONDO:0010520, OMIM 301050.

Submissions (8):

Variantyx, Inc.
Classification: Likely pathogenic for X-linked Alport syndrome. Last evaluated: 2026-01-05. Review status: criteria provided, single submitter. Criteria: Variantyx Assertion Criteria 2022. Collection method: clinical testing. Allele origin: maternal. Inheritance: X-linked dominant inheritance. Affected: yes.
Comment: This is a nonsynonymous variant in the COL4A5 gene (OMIM: 303630). Pathogenic variants in this gene have been associated with X-linked Alport syndrome 1. This variant has been reported in at least 2 unrelated affected individuals (PMID: 32405592, 34440452) (PS4_Moderate), and is absent from control populations (PM2). This variant lies within a well-established critical functional domain of the COL4A5 protein (PMID: 7695699, 8218237, 19344236) (PM1); functional studies have shown that this variant alters COL4A5 protein function (PMID: 32405592) (PS3_Moderate), and multiple computational algorithms predict a deleterious effect (REVEL score: 0.969) (PP3). Based on the current evidence, this variant is classified as likely pathogenic for X-linked Alport syndrome 1.

Labcorp Genetics (formerly Invitae), Labcorp
Classification: Pathogenic. Last evaluated: 2025-10-25. Review status: criteria provided, single submitter. Criteria: Invitae Variant Classification Sherloc (09022015). Collection method: clinical testing. Allele origin: germline.
Comment: This sequence change replaces glycine, which is neutral and non-polar, with arginine, which is basic and polar, at codon 509 of the COL4A5 protein (p.Gly509Arg). This variant is not present in population databases (gnomAD no frequency). This missense change has been observed in individual(s) with COL4A5-related conditions (PMID: 32405592, 34440452). ClinVar contains an entry for this variant (Variation ID: 988118). Invitae Evidence Modeling of protein sequence and biophysical properties (such as structural, functional, and spatial information, amino acid conservation, physicochemical variation, residue mobility, and thermodynamic stability) indicates that this missense variant is expected to disrupt COL4A5 protein function with a positive predictive value of 95%. Experimental studies have shown that this missense change affects COL4A5 function (PMID: 32405592). This variant disrupts the triple helix domain of COL4A5. Glycine residues within the Gly-Xaa-Yaa repeats of the triple helix domain are required for the structure and stability of fibrillar collagens (PMID: 7695699, 8218237, 19344236). In COL4A5, missense variants at these glycine residues are significantly enriched in individuals with disease (PMID: 23720012, 27627812) compared to the general population (ExAC). This variant disrupts the p.Gly509 amino acid residue in COL4A5. Other variant(s) that disrupt this residue have been observed in individuals with COL4A5-related conditions (PMID: 24304881, 29854973), which suggests that this may be a clinically significant amino acid residue. For these reasons, this variant has been classified as Pathogenic.

Natera, Inc.
Classification: Likely pathogenic for X-linked Alport syndrome. Last evaluated: 2025-10-10. Review status: criteria provided, single submitter. Criteria: Natera Variant Classification Schema (03/2026). Collection method: clinical testing. Allele origin: germline.
Comment: The c.1525G>C variant in COL4A5 is a missense variant predicted to cause substitution of glycine to arginine at amino acid 509. This variant is rare in the general population with a frequency below the threshold expected for the associated phenotype(s). This variant is located in a functionally critical region of the protein. Computational prediction algorithms indicate this variant is likely to affect gene or protein function. Given the available evidence, this variant is classified as Likely Pathogenic.

Myriad Genetics, Inc.
Classification: Likely pathogenic for X-linked Alport syndrome. Last evaluated: 2025-08-01. Review status: criteria provided, single submitter. Criteria: Myriad Autosomal Dominant, Autosomal Recessive and X-Linked Classification Criteria (2023). Collection method: clinical testing. Allele origin: unknown.
Comment: NM_000495.4(COL4A5):c.1525G>C(G509R) is a missense variant classified as likely pathogenic in the context of X-linked Alport syndrome. G509R has been observed in a case with relevant disease (PMID: 32405592). Relevant functional assessments of this variant are available in the literature (PMID: 32405592). Internal structural analysis of the variant is supportive of pathogenicity. G509R has not been observed in referenced population frequency databases. In summary, NM_000495.4(COL4A5):c.1525G>C(G509R) is a missense variant that has internal structural support for pathogenicity and has been observed more frequently in cases with the relevant disease than in healthy populations. Please note: this variant was assessed in the context of healthy population screening.

Victorian Clinical Genetics Services, Murdoch Childrens Research Institute
Classification: Pathogenic for X-linked Alport syndrome. Last evaluated: 2023-12-21. Review status: criteria provided, single submitter. Criteria: ACMG Guidelines, 2015. Collection method: clinical testing. Allele origin: germline. Inheritance: X-linked dominant inheritance. Affected: yes.
Comment: Based on the classification scheme VCGS_Germline_v1.3.4, this variant is classified as Pathogenic. Following criteria are met: 0103 - Dominant negative and loss of function are known mechanisms of disease in this gene and are associated with X-linked Alport syndrome 1 (MIM#301050). Dominant negative is caused mostly by glycine substitutions that affect the conformation of the protein, and loss of function can be caused by either protein truncating or missense variants (PMID: 24046192, 12028435). (I) 0110 - This gene is associated with X-linked dominant disease. Males are typically more severely affected than females (PMID: 19965530). (I) 0115 - Variants in this gene are known to have variable expressivity. There is intrafamilial variability among affected carrier females, possibly due to variable X-inactivation (PMID: 14514738). (I) 0200 - Variant is predicted to result in a missense amino acid change from glycine to arginine. (I) 0253 - This variant is hemizygous. (I) 0301 - Variant is absent from gnomAD (both v2 and v3). (SP) 0309 - An alternative amino acid change at the same position has been observed in gnomAD (v3) (1 heterozygote, 0 homozygotes, 0 hemizygotes). (I) 0501 - Missense variant consistently predicted to be damaging by multiple in silico tools or highly conserved with a major amino acid change. (SP) 0601 - Variant is located in the well-established functional Gly-X-Y motif and affects a glycine residue (DECIPHER). (SP) 0703 - Other missense variants comparable to the one identified in this case have moderate previous evidence for pathogenicity. p.(Gly509Cys), p.(Gly509Asp) and p.(Gly509Ser) have been classified as pathogenic or observed in individuals with Alport syndrome (ClinVar, PMIDs: 24033287, 29854973). (SP) 0801 - This variant has strong previous evidence of pathogenicity in unrelated individuals. This variant has been classified as likely pathogenic by clinical laboratories in ClinVar and has been observed as hemizygous at least one individual with Alport syndrome (PMID: 32405592). This variant has also been observed as heterozygous in one individual with language delay and hearing loss (PMID: 34440452). (I) Legend: (SP) - Supporting pathogenic, (I) - Information, (SB) - Supporting benign

Revvity Omics, Revvity
Classification: Likely pathogenic for X-linked Alport syndrome. Last evaluated: 2021-10-30. Review status: criteria provided, single submitter. Criteria: ACMG Guidelines, 2015. Collection method: clinical testing. Allele origin: germline.

Center of Genomic medicine, Geneva, University Hospital of Geneva
Classification: Likely pathogenic for X-linked Alport syndrome. Last evaluated: 2018-08-06. Review status: criteria provided, single submitter. Criteria: ACMG Guidelines, 2015. Collection method: clinical testing. Allele origin: de novo. Affected: yes. Observed: 1 variant allele.

Sydney Genome Diagnostics, Children's Hospital Westmead
Classification: Likely pathogenic for Alport syndrome. Last evaluated: 2019-05-16. Review status: no assertion criteria provided. Collection method: clinical testing. Allele origin: unknown. Affected: yes. Observed: 1 variant allele, 1 hemizygote. Not counted in ClinVar's aggregate classification.
Comment: To our knowledge, the variant has not been reported in any population databases (i.e. gnomAD, ExAC, ESP or dbSNP), and also has not been reported in the literature or any disease specific databases. This variant results in substitution of one of the invariant glycine residues within the triple helical domain of the alpha 5 chain of type IV collagen. A difference missense variant involving the same amino acid, c.1526G>A p.(Gly509Asp), has been previously reported in 2 male siblings with end stage renal disease (Fallerini et al 2014 Clin Genet 86:252-257). This variant is considered to be likely pathogenic according to the ACMG guidelines (Evidence used: PM1_strong, PM2, PM5).

Literature cited by the submitters: PubMed 32405592 (cited by 4 submitters); PubMed 7695699 (cited by Variantyx, Inc. and Labcorp Genetics (formerly Invitae), Labcorp); PubMed 8218237 (cited by Variantyx, Inc. and Labcorp Genetics (formerly Invitae), Labcorp); PubMed 19344236 (cited by Variantyx, Inc. and Labcorp Genetics (formerly Invitae), Labcorp); PubMed 34440452 (cited by 3 submitters); PubMed 23720012 (cited by Labcorp Genetics (formerly Invitae), Labcorp); PubMed 27627812 (cited by Labcorp Genetics (formerly Invitae), Labcorp); PubMed 24304881 (cited by Labcorp Genetics (formerly Invitae), Labcorp); PubMed 29854973 (cited by Labcorp Genetics (formerly Invitae), Labcorp and Victorian Clinical Genetics Services, Murdoch Childrens Research Institute); PubMed 12028435 (cited by Victorian Clinical Genetics Services, Murdoch Childrens Research Institute); PubMed 14514738 (cited by Victorian Clinical Genetics Services, Murdoch Childrens Research Institute and Center of Genomic medicine, Geneva, University Hospital of Geneva); PubMed 19965530 (cited by Victorian Clinical Genetics Services, Murdoch Childrens Research Institute); PubMed 24033287 (cited by Victorian Clinical Genetics Services, Murdoch Childrens Research Institute); PubMed 24046192 (cited by Victorian Clinical Genetics Services, Murdoch Childrens Research Institute); PubMed 2349482 (cited by Center of Genomic medicine, Geneva, University Hospital of Geneva).

NM_033380.3(COL4A5):c.1525G>C (p.Gly509Arg)

Gene: COL4A5 (collagen type IV alpha 5 chain; plus strand). Cytogenetic location: Xq22.3.
Variant type: single nucleotide variant.
Coding change: c.1525G>C on transcript NM_033380.3 (MANE Select); coding-DNA position 1525, G replaced by C.
Protein change: p.Gly509Arg; replaces glycine 509 with arginine.
Molecular consequence: missense variant.
Genome position (GRCh38, 1-based): chrX:108,597,006, G>C. VCF-style: chrX-108597006-G-C. GRCh37 (hg19) VCF-style: chrX-107840236-G-C.
Other names: c.1525G>C, p.Gly509Arg (NM_000495.5); c.1525G>C (NM_033380.2); short protein forms G509R.
Identifiers: ClinVar variation 988118 (VCV000988118.17), dbSNP rs754223700, ClinGen allele CA413845056.